The following is an entry in ClinVar:

ClinVar aggregate classification (germline): Conflicting classifications of pathogenicity. Review status: criteria provided, conflicting classifications (1 of 4 stars). 4 submissions from 4 submitters: Uncertain significance (1); Likely benign (2). 1 of the submissions does not count toward it. Last evaluated 2025-12-03.

Conditions:
LONP1-related disorder. Also called: LONP1-related condition; LONP1-related disorders.

Allele frequency attached by ClinVar (database versions not stated): gnomAD exomes 0.00014 and 0.00038; ExAC 0.00052; gnomAD 0.00152 and 0.00161; ESP Exome Variant Server 0.00161; TOPMed 0.00167; 1000 Genomes Project 0.00200; 1000 Genomes Project 30x 0.00234.
gnomAD v4.1: 434 of 1,612,794 alleles (0.027%); highest among the groups gnomAD compares: African/African-American, 0.53%; 2 homozygotes.

Submissions (4):

Labcorp Genetics (formerly Invitae), Labcorp
Classification: Likely benign. Last evaluated: 2025-12-03. Review status: criteria provided, single submitter. Criteria: Invitae Variant Classification Sherloc (09022015). Collection method: clinical testing. Allele origin: germline.

Women's Health and Genetics/Laboratory Corporation of America, LabCorp
Classification: Likely benign. Last evaluated: 2025-10-06. Review status: criteria provided, single submitter. Criteria: LabCorp Variant Classification Summary - May 2015. Collection method: clinical testing. Allele origin: germline.
Comment: Variant summary: LONP1 c.767C>T (p.Ala256Val) results in a non-conservative amino acid change in the encoded protein sequence. Algorithms developed to predict the effect of missense changes on protein structure and function are either unavailable or do not agree on the potential impact of this missense change. The variant allele was found at a frequency of 0.00038 in 250112 control chromosomes, predominantly at a frequency of 0.0054 within the African or African-American subpopulation in the gnomAD database. The observed variant frequency within African or African-American control individuals in the gnomAD database exceeds the estimated maximal expected allele frequency for disease-causing variants in LONP1. To our knowledge, no occurrence of c.767C>T in individuals affected with LONP1-related conditions and no experimental evidence demonstrating its impact on protein function have been reported. ClinVar contains an entry for this variant (Variation ID: 712230). Based on the evidence outlined above, the variant was classified as likely benign.

GeneDx
Classification: Uncertain significance. Last evaluated: 2022-10-05. Review status: criteria provided, single submitter. Criteria: GeneDx Variant Classification Process June 2021. Collection method: clinical testing. Allele origin: germline. Affected: yes.
Comment: In silico analysis, which includes protein predictors and evolutionary conservation, supports that this variant does not alter protein structure/function; Has not been previously published as pathogenic or benign to our knowledge

PreventionGenetics, part of Exact Sciences
Classification: Likely benign for LONP1-related condition. Last evaluated: 2022-02-09. Review status: no assertion criteria provided. Collection method: clinical testing. Allele origin: germline. Not counted in ClinVar's aggregate classification.
Comment: This variant is classified as likely benign based on ACMG/AMP sequence variant interpretation guidelines (Richards et al. 2015 PMID: 25741868, with internal and published modifications).

NM_004793.4(LONP1):c.767C>T (p.Ala256Val)

Gene: LONP1 (lon peptidase 1, mitochondrial; minus strand). Cytogenetic location: 19p13.3.
Variant type: single nucleotide variant.
Coding change: c.767C>T on transcript NM_004793.4 (MANE Select); coding-DNA position 767, C replaced by T.
Protein change: p.Ala256Val; replaces alanine 256 with valine.
Molecular consequence: missense variant. On other transcripts: non-coding transcript variant (1).
Genome position (GRCh38, 1-based): chr19:5,711,874, G>A on the plus strand (C>T on the coding strand, the complement: LONP1 is on the minus strand). VCF-style: chr19-5711874-G-A. GRCh37 (hg19) VCF-style: chr19-5711885-G-A.
Other names: c.575C>T, p.Ala192Val (NM_001276479.2); c.179C>T, p.Ala60Val (NM_001276480.1); short protein forms A192V, A256V, A60V.
Identifiers: ClinVar variation 712230 (VCV000712230.17), dbSNP rs116591583, ClinGen allele CA9114975.